The following is an entry in ClinVar:

NM_198098.4(AQP1):c.191C>T (p.Ala64Val)

Gene: AQP1 (aquaporin 1 (Colton blood group); plus strand). Cytogenetic location: 7p14.3.
Variant type: single nucleotide variant.
Coding change: c.191C>T on transcript NM_198098.4 (MANE Select); coding-DNA position 191, C replaced by T.
Protein change: p.Ala64Val; replaces alanine 64 with valine.
Molecular consequence: missense variant.
Genome position (GRCh38, 1-based): chr7:30,912,100, C>T. VCF-style: chr7-30912100-C-T. GRCh37 (hg19) VCF-style: chr7-30951715-C-T.
Other names: c.191C>T, p.Ala64Val (NM_001329872.2); short protein forms A64V.
Identifiers: ClinVar variation 4707510 (VCV004707510.1).

ClinVar aggregate classification (germline): Uncertain significance (1 of 4 stars; one submission).

gnomAD v4.1: 37 of 1,613,150 alleles (0.0023%); highest among the groups gnomAD compares: African/African-American, 0.004%; no homozygotes.

Submission:

Labcorp Genetics (formerly Invitae), Labcorp
Classification: Uncertain significance. Last evaluated: 2025-09-18. Review status: criteria provided, single submitter. Criteria: Invitae Variant Classification Sherloc (09022015). Collection method: clinical testing. Allele origin: germline.
Comment: This sequence change replaces alanine, which is neutral and non-polar, with valine, which is neutral and non-polar, at codon 64 of the AQP1 protein (p.Ala64Val). This variant is present in population databases (no rsID available, gnomAD 0.01%). This variant has not been reported in the literature in individuals affected with AQP1-related conditions. Invitae Evidence Modeling of protein sequence and biophysical properties (such as structural, functional, and spatial information, amino acid conservation, physicochemical variation, residue mobility, and thermodynamic stability) indicates that this missense variant is not expected to disrupt AQP1 protein function with a negative predictive value of 80%. In summary, the available evidence is currently insufficient to determine the role of this variant in disease. Therefore, it has been classified as a Variant of Uncertain Significance.